The following is an entry in ClinVar:

ClinVar aggregate classification (germline): Uncertain significance (1 of 4 stars; one submission).

Conditions:
Familial thoracic aortic aneurysm and aortic dissection (TAAD). Also called: Thoracic aortic aneurysms and dissections. Identifiers: Orphanet 91387, MedGen C4707243, MONDO:0019625.

Submission:

Ambry Genetics
Classification: Uncertain significance for Familial thoracic aortic aneurysm and aortic dissection. Last evaluated: 2024-07-24. Review status: criteria provided, single submitter. Criteria: Ambry Variant Classification Scheme 2023. Collection method: clinical testing. Allele origin: germline.
Comment: The c.5677_5678insTTCACATAA variant (also known as p.I1892_N1893insIHI), located in coding exon 46 of the FBN1 gene, results from an in-frame TTCACATAA insertion at nucleotide positions 5677 to 5678. This results in the insertion of three additional residues (IHI) between codons 1892 and 1893. This alteration is predicted to be deleterious by in silico analysis (Choi Y et al. PLoS ONE. 2012; 7(10):e46688). Based on the available evidence, the clinical significance of this variant remains unclear.

NM_000138.5(FBN1):c.5677_5678insTTCACATAA (p.Ile1892_Asn1893insIleHisIle)

Gene: FBN1 (fibrillin 1; minus strand). Cytogenetic location: 15q21.1.
Variant type: Insertion.
Coding change: c.5677_5678insTTCACATAA on transcript NM_000138.5 (MANE Select); coding-DNA positions 5677 to 5678, TTCACATAA inserted.
Protein change: p.Ile1892_Asn1893insIleHisIle.
Genome position: GRCh38 VCF-style: chr15-48446816-T-TTTATGTGAA. GRCh37 (hg19) VCF-style: chr15-48739013-T-TTTATGTGAA.
Other names: c.5677_5678insTTCACATAA, p.Ile1892_Asn1893insIleHisIle (NM_001406716.1); c.5677_5678insTTCACATAA (NM_000138.4).
Identifiers: ClinVar variation 3513528 (VCV003513528.1).
Genomic context (GRCh38, chr15:48,446,816, plus strand): 5'-TTGAAGGAACCAATTGTGTTCCGGCAAGTTCCATTCCCACAGGCATCTCTTTCACATTCA[T>TTTATGTGAA]TTATGTCTAGTAGGAAGAAAGGCCATAAAGAAACATAATTATAAGTAGAAAAAGTGGTTA-3'